The following is an entry in ClinVar:

ClinVar aggregate classification (germline): Uncertain significance. Review status: criteria provided, multiple submitters, no conflicts (2 of 4 stars). 4 submissions from 4 submitters: Uncertain significance (2). 2 of the submissions do not count toward it. Last evaluated 2025-08-17.

Allele frequency attached by ClinVar (database versions not stated): gnomAD exomes 0.00002; TOPMed 0.00002; ExAC 0.00002; gnomAD 0.00003.
gnomAD v4.1: 38 of 1,614,046 alleles (0.0024%); highest among the groups gnomAD compares: Middle Eastern, 0.033%; no homozygotes.

Submissions (4):

Labcorp Genetics (formerly Invitae), Labcorp
Classification: Uncertain significance. Last evaluated: 2025-08-17. Review status: criteria provided, single submitter. Criteria: Invitae Variant Classification Sherloc (09022015). Collection method: clinical testing. Allele origin: germline.
Comment: This sequence change replaces asparagine, which is neutral and polar, with serine, which is neutral and polar, at codon 427 of the A2ML1 protein (p.Asn427Ser). This variant is present in population databases (rs537292419, gnomAD 0.004%). This variant has not been reported in the literature in individuals affected with A2ML1-related conditions. ClinVar contains an entry for this variant (Variation ID: 1297716). An algorithm developed to predict the effect of missense changes on protein structure and function (PolyPhen-2) suggests that this variant is likely to be tolerated. In summary, the available evidence is currently insufficient to determine the role of this variant in disease. Therefore, it has been classified as a Variant of Uncertain Significance.

Ambry Genetics
Classification: Uncertain significance. Last evaluated: 2025-05-03. Review status: criteria provided, single submitter. Criteria: Ambry Variant Classification Scheme 2023. Collection method: clinical testing. Allele origin: germline.
Comment: The p.N427S variant (also known as c.1280A>G), located in coding exon 12 of the A2ML1 gene, results from an A to G substitution at nucleotide position 1280. The asparagine at codon 427 is replaced by serine, an amino acid with highly similar properties. This amino acid position is conserved. In addition, this alteration is predicted to be tolerated by in silico analysis. Based on the available evidence, the clinical significance of this variant remains unclear.

Clinical Genetics DNA and cytogenetics Diagnostics Lab, Erasmus MC, Erasmus Medical Center
Classification: Likely benign. Review status: no assertion criteria provided. Collection method: clinical testing. Allele origin: germline. Affected: yes. Study: VKGL Data-share Consensus. Not counted in ClinVar's aggregate classification.

Joint Genome Diagnostic Labs from Nijmegen and Maastricht, Radboudumc and MUMC+
Classification: Likely benign. Review status: no assertion criteria provided. Collection method: clinical testing. Allele origin: germline. Affected: yes. Study: VKGL Data-share Consensus. Not counted in ClinVar's aggregate classification.

NM_144670.6(A2ML1):c.1280A>G (p.Asn427Ser)

Gene: A2ML1 (alpha-2-macroglobulin like 1; plus strand). Cytogenetic location: 12p13.31.
Variant type: single nucleotide variant.
Coding change: c.1280A>G on transcript NM_144670.6 (MANE Select); coding-DNA position 1280, A replaced by G.
Protein change: p.Asn427Ser; replaces asparagine 427 with serine.
Molecular consequence: missense variant.
Genome position (GRCh38, 1-based): chr12:8,843,165, A>G. VCF-style: chr12-8843165-A-G. GRCh37 (hg19) VCF-style: chr12-8995761-A-G.
Other names: c.1280A>G (NM_144670.3); short protein forms N427S.
Identifiers: ClinVar variation 1297716 (VCV001297716.7), dbSNP rs537292419, ClinGen allele CA6435612.